The following is an entry in ClinVar:

ClinVar aggregate classification (germline): Uncertain significance. Review status: criteria provided, multiple submitters, no conflicts (2 of 4 stars). 4 submissions from 4 submitters: Uncertain significance (4). Last evaluated 2025-08-28.

Conditions:
Hereditary cancer-predisposing syndrome. Also called: Tumor predisposition; Neoplastic Syndromes, Hereditary; Hereditary Cancer Syndrome; Hereditary neoplastic syndrome. Identifiers: Orphanet 140162, MedGen C0027672, MeSH D009386, MONDO:0015356.
Tuberous sclerosis 1 (TSC1). Identifiers: Orphanet 805, MedGen C1854465, MONDO:0008612, OMIM 191100.

Allele frequency attached by ClinVar (database versions not stated): gnomAD 0.00001; TOPMed 0.00001.
gnomAD v4.1: 5 of 1,613,644 alleles (0.00031%); highest among the groups gnomAD compares: East Asian, 0.0089%; no homozygotes.

Submissions (4):

Ambry Genetics
Classification: Uncertain significance for Hereditary cancer-predisposing syndrome. Last evaluated: 2025-08-28. Review status: criteria provided, single submitter. Criteria: Ambry Variant Classification Scheme 2023. Collection method: clinical testing. Allele origin: germline.
Comment: The p.S1039G variant (also known as c.3115A>G), located in coding exon 21 of the TSC1 gene, results from an A to G substitution at nucleotide position 3115. The serine at codon 1039 is replaced by glycine, an amino acid with similar properties. This amino acid position is not well conserved in available vertebrate species. In addition, this alteration is predicted to be tolerated by in silico analysis. Since supporting evidence is limited at this time, the clinical significance of this alteration remains unclear.

Labcorp Genetics (formerly Invitae), Labcorp
Classification: Uncertain significance for Tuberous sclerosis 1. Last evaluated: 2024-10-27. Review status: criteria provided, single submitter. Criteria: Invitae Variant Classification Sherloc (09022015). Collection method: clinical testing. Allele origin: germline.
Comment: This sequence change replaces serine, which is neutral and polar, with glycine, which is neutral and non-polar, at codon 1039 of the TSC1 protein (p.Ser1039Gly). This variant is not present in population databases (gnomAD no frequency). This variant has not been reported in the literature in individuals affected with TSC1-related conditions. ClinVar contains an entry for this variant (Variation ID: 486566). Invitae Evidence Modeling of protein sequence and biophysical properties (such as structural, functional, and spatial information, amino acid conservation, physicochemical variation, residue mobility, and thermodynamic stability) indicates that this missense variant is not expected to disrupt TSC1 protein function with a negative predictive value of 95%. In summary, the available evidence is currently insufficient to determine the role of this variant in disease. Therefore, it has been classified as a Variant of Uncertain Significance.

Sema4
Classification: Uncertain significance for Hereditary cancer-predisposing syndrome. Last evaluated: 2021-12-28. Review status: criteria provided, single submitter. Criteria: Sema4 Curation Guidelines. Collection method: curation. Allele origin: germline.
Comment: To the best of our knowledge, the TSC1 c.3115A>G (p.S1039G) variant has not been reported in individuals with TSC1-related disease. This variant is not reported in the Genome Aggregation Database (PMID: 32461654). This variant has been reported in ClinVar (Variation ID: 486566). Functional studies have not been performed, and in silico predictions of the variant's effect on protein function are inconclusive. The evidence is insufficient to meet ACMG/AMP criteria for classifying the variant as benign or pathogenic. Thus, the clinical significance of this variant is currently uncertain.

Genome-Nilou Lab
Classification: Uncertain significance for Tuberous sclerosis 1. Last evaluated: 2021-11-07. Review status: criteria provided, single submitter. Criteria: ACMG Guidelines, 2015. Collection method: clinical testing. Allele origin: germline. Affected: no.

NM_000368.5(TSC1):c.3115A>G (p.Ser1039Gly)

Gene: TSC1 (TSC complex subunit 1; minus strand). Cytogenetic location: 9q34.13.
Variant type: single nucleotide variant.
Coding change: c.3115A>G on transcript NM_000368.5 (MANE Select); coding-DNA position 3115, A replaced by G.
Protein change: p.Ser1039Gly; replaces serine 1039 with glycine.
Molecular consequence: missense variant.
Genome position (GRCh38, 1-based): chr9:132,896,615, T>C on the plus strand (A>G on the coding strand, the complement: TSC1 is on the minus strand). VCF-style: chr9-132896615-T-C. GRCh37 (hg19) VCF-style: chr9-135772002-T-C.
Other names: c.3112A>G, p.Ser1038Gly (NM_001162426.2); c.2962A>G, p.Ser988Gly (NM_001162427.2); c.2752A>G, p.Ser918Gly (NM_001362177.2); short protein forms S1039G, S1038G, S988G, S918G.
Identifiers: ClinVar variation 486566 (VCV000486566.18), dbSNP rs1490199228, ClinGen allele CA375367378.